The following is an entry in ClinVar:

ClinVar aggregate classification (germline): Uncertain significance (0 of 4 stars; one submission).

Conditions:
ALMS1-related disorder. Also called: ALMS1-related condition.

gnomAD v4.1: 2 of 1,614,034 alleles (0.00012%); highest among the groups gnomAD compares: South Asian, 0.0022%; no homozygotes.

Submission:

PreventionGenetics, part of Exact Sciences
Classification: Uncertain significance for ALMS1-related condition. Last evaluated: 2024-02-06. Review status: no assertion criteria provided. Collection method: clinical testing. Allele origin: germline.
Comment: The ALMS1 c.11543A>G variant is predicted to result in the amino acid substitution p.Gln3848Arg. To our knowledge, this variant has not been reported in the literature or in a large population database, indicating this variant is rare. At this time, the clinical significance of this variant is uncertain due to the absence of conclusive functional and genetic evidence.

NM_001378454.1(ALMS1):c.11540A>G (p.His3847Arg)

Gene: ALMS1 (ALMS1 centrosome and basal body associated protein; plus strand). Cytogenetic location: 2p13.1.
Variant type: single nucleotide variant.
Coding change: c.11540A>G on transcript NM_001378454.1 (MANE Select); coding-DNA position 11540, A replaced by G.
Protein change: p.His3847Arg; replaces histidine 3847 with arginine.
Molecular consequence: missense variant.
Genome position (GRCh38, 1-based): chr2:73,573,417, A>G. VCF-style: chr2-73573417-A-G. GRCh37 (hg19) VCF-style: chr2-73800544-A-G.
Other names: c.11543A>G, p.His3848Arg (NM_015120.4); short protein forms H3847R, H3848R.
Identifiers: ClinVar variation 3350125 (VCV003350125.1).